The following is an entry in ClinVar:

ClinVar aggregate classification (germline): Likely pathogenic (1 of 4 stars; one submission).

Conditions:
Exostoses, multiple, type 2 (EXT2). Also called: Hereditary Multiple Osteochondromatosis, Type II; EXOSTOSES, MULTIPLE, TYPE II. Identifiers: Orphanet 321, MedGen C1851413, MONDO:0007586, OMIM 133701.

Submission:

3billion
Classification: Likely pathogenic for Exostoses, multiple, type 2. Last evaluated: 2023-10-10. Review status: criteria provided, single submitter. Criteria: ACMG Guidelines, 2015. Collection method: clinical testing. Allele origin: germline. Affected: yes.
Comment: The variant is not observed in the gnomAD v2.1.1 dataset. Predicted Consequence/Location: Canonical splice site: predicted to alter splicing and result in a loss or disruption of normal protein function. Multiple pathogenic loss-of-function variants are reported downstream of the variant. Therefore, this variant is classified as Likely pathogenic according to the recommendation of ACMG/AMP guideline.

NM_207122.2(EXT2):c.626+2T>C

Gene: EXT2 (exostosin glycosyltransferase 2; plus strand). Cytogenetic location: 11p11.2.
Variant type: single nucleotide variant.
Coding change: c.626+2T>C on transcript NM_207122.2 (MANE Select); the canonical splice donor site of the intron after coding-DNA position 626, T replaced by C.
Molecular consequence: splice donor variant.
Genome position (GRCh38, 1-based): chr11:44,109,285, T>C. VCF-style: chr11-44109285-T-C. GRCh37 (hg19) VCF-style: chr11-44130835-T-C.
Other names: c.626+2T>C (NM_001389630.1, NM_001178083.3, NM_001389628.1); c.725+2T>C (NM_000401.3).
Identifiers: ClinVar variation 3775763 (VCV003775763.1).